The following is an entry in ClinVar:

NM_019844.4(SLCO1B3):c.763G>C (p.Val255Leu)

Genes: SLCO1B3 (solute carrier organic anion transporter family member 1B3; plus strand), SLCO1B3-SLCO1B7 (SLCO1B3-SLCO1B7 readthrough; plus strand). Cytogenetic location: 12p12.2.
Variant type: single nucleotide variant.
Coding change: c.763G>C on transcript NM_019844.4 (MANE Select); coding-DNA position 763, G replaced by C.
Protein change: p.Val255Leu; replaces valine 255 with leucine.
Molecular consequence: missense variant.
Genome position (GRCh38, 1-based): chr12:20,875,270, G>C. VCF-style: chr12-20875270-G-C. GRCh37 (hg19) VCF-style: chr12-21028204-G-C.
Other names: c.763G>C, p.Val255Leu (NM_001371097.1); c.679G>C, p.Val227Leu (NM_001349920.2); short protein forms V227L, V255L.
Identifiers: ClinVar variation 2629244 (VCV002629244.1), dbSNP rs777348477, ClinGen allele CA384093215.
Genomic context (GRCh38, chr12:20,875,270, plus strand): 5'-GGCTTCTTTTAACTGTTTCTCCTAGGCACTATCAGAATAACTCCTAAGGACTCTCGTTGG[G>C]TTGGAGCTTGGTGGCTTGGTTTCCTTGTGTCTGGACTATTTTCCATTATTTCTTCCATAC-3'
Protein context (NP_062818.1, residues 245-265): IRITPKDSRW[Val255Leu]GAWWLGFLVS

ClinVar aggregate classification (germline): Uncertain significance (1 of 4 stars; one submission).

Conditions:
SLCO1B3-related disorder. Also called: SLCO1B3-related condition.

gnomAD v4.1: 17 of 1,613,196 alleles (0.0011%); highest among the groups gnomAD compares: Non-Finnish European, 0.0014%; no homozygotes.

Submission:

PreventionGenetics, part of Exact Sciences
Classification: Uncertain significance for SLCO1B3-related condition. Last evaluated: 2023-09-18. Review status: criteria provided, single submitter. Criteria: ACMG Guidelines, 2015. Collection method: clinical testing. Allele origin: germline.
Comment: The SLCO1B3 c.763G>C variant is predicted to result in the amino acid substitution p.Val255Leu. To our knowledge, this variant has not been reported in the literature or in a large population database, indicating this variant is rare. At this time, the clinical significance of this variant is uncertain due to the absence of conclusive functional and genetic evidence.